The following is an entry in ClinVar:

NM_032043.3(BRIP1):c.2179C>A (p.Pro727Thr)

Gene: BRIP1 (BRCA1 interacting helicase 1; minus strand). Cytogenetic location: 17q23.2.
Variant type: single nucleotide variant.
Coding change: c.2179C>A on transcript NM_032043.3 (MANE Select); coding-DNA position 2179, C replaced by A.
Protein change: p.Pro727Thr; replaces proline 727 with threonine.
Molecular consequence: missense variant.
Genome position (GRCh38, 1-based): chr17:61,744,510, G>T on the plus strand (C>A on the coding strand, the complement: BRIP1 is on the minus strand). VCF-style: chr17-61744510-G-T. GRCh37 (hg19) VCF-style: chr17-59821871-G-T.
Other names: short protein forms P727T.
Identifiers: ClinVar variation 420448 (VCV000420448.3), dbSNP rs769797684, ClinGen allele CA16620522.

ClinVar aggregate classification (germline): Uncertain significance (1 of 4 stars; one submission).

gnomAD v4.1: 3 of 1,613,532 alleles (0.00019%); highest among the groups gnomAD compares: South Asian, 0.0033%; no homozygotes.

Submission:

GeneDx
Classification: Uncertain significance. Last evaluated: 2020-02-03. Review status: criteria provided, single submitter. Criteria: GeneDx Variant Classification Process June 2021. Collection method: clinical testing. Allele origin: germline. Affected: yes.
Comment: Not observed at a significant frequency in large population cohorts (Lek 2016); In silico analysis supports that this missense variant has a deleterious effect on protein structure/function; Has not been previously published as pathogenic or benign to our knowledge